The following is an entry in ClinVar:

ClinVar aggregate classification (germline): Uncertain significance. Review status: criteria provided, multiple submitters, no conflicts (2 of 4 stars). 2 submissions from 2 submitters: Uncertain significance (2). Last evaluated 2025-06-12.

Conditions:
Focal segmental glomerulosclerosis 2 (FSGS2). Identifiers: Orphanet 656, MedGen C1858915, MONDO:0011390, OMIM 603965.

Allele frequency attached by ClinVar (database versions not stated): gnomAD 0.00001; TOPMed 0.00001.
gnomAD v4.1: 4 of 1,613,120 alleles (0.00025%); highest among the groups gnomAD compares: African/African-American, 0.0027%; no homozygotes.

Submissions (2):

Labcorp Genetics (formerly Invitae), Labcorp
Classification: Uncertain significance. Last evaluated: 2025-06-12. Review status: criteria provided, single submitter. Criteria: Invitae Variant Classification Sherloc (09022015). Collection method: clinical testing. Allele origin: germline.
Comment: This sequence change replaces tyrosine, which is neutral and polar, with histidine, which is basic and polar, at codon 318 of the TRPC6 protein (p.Tyr318His). This variant is present in population databases (no rsID available, gnomAD 0.02%). This variant has not been reported in the literature in individuals affected with TRPC6-related conditions. ClinVar contains an entry for this variant (Variation ID: 2111356). Invitae Evidence Modeling of protein sequence and biophysical properties (such as structural, functional, and spatial information, amino acid conservation, physicochemical variation, residue mobility, and thermodynamic stability) indicates that this missense variant is expected to disrupt TRPC6 protein function with a positive predictive value of 95%. In summary, the available evidence is currently insufficient to determine the role of this variant in disease. Therefore, it has been classified as a Variant of Uncertain Significance.

Fulgent Genetics
Classification: Uncertain significance for Focal segmental glomerulosclerosis 2. Last evaluated: 2024-05-15. Review status: criteria provided, single submitter. Criteria: ACMG Guidelines, 2015. Collection method: clinical testing. Allele origin: germline.

NM_004621.6(TRPC6):c.952T>C (p.Tyr318His)

Gene: TRPC6 (transient receptor potential cation channel subfamily C member 6; minus strand). Cytogenetic location: 11q22.1.
Variant type: single nucleotide variant.
Coding change: c.952T>C on transcript NM_004621.6 (MANE Select); coding-DNA position 952, T replaced by C.
Protein change: p.Tyr318His; replaces tyrosine 318 with histidine.
Molecular consequence: missense variant.
Genome position (GRCh38, 1-based): chr11:101,491,732, A>G on the plus strand (T>C on the coding strand, the complement: TRPC6 is on the minus strand). VCF-style: chr11-101491732-A-G. GRCh37 (hg19) VCF-style: chr11-101362463-A-G.
Other names: short protein forms Y318H.
Identifiers: ClinVar variation 2111356 (VCV002111356.5), dbSNP rs1285475690, ClinGen allele CA382445488.